The following is an entry in ClinVar:

ClinVar aggregate classification (germline): Uncertain significance (1 of 4 stars; one submission).

gnomAD v4.1: 3 of 1,614,198 alleles (0.00019%); highest among the groups gnomAD compares: Middle Eastern, 0.033%; no homozygotes.

Submission:

Labcorp Genetics (formerly Invitae), Labcorp
Classification: Uncertain significance. Last evaluated: 2025-01-09. Review status: criteria provided, single submitter. Criteria: Invitae Variant Classification Sherloc (09022015). Collection method: clinical testing. Allele origin: germline.
Comment: This sequence change replaces glycine, which is neutral and non-polar, with aspartic acid, which is acidic and polar, at codon 203 of the COL10A1 protein (p.Gly203Asp). This variant is present in population databases (rs754873544, gnomAD 0.0009%). This variant has not been reported in the literature in individuals affected with COL10A1-related conditions. Invitae Evidence Modeling of protein sequence and biophysical properties (such as structural, functional, and spatial information, amino acid conservation, physicochemical variation, residue mobility, and thermodynamic stability) has been performed for this missense variant. However, the output from this modeling did not meet the statistical confidence thresholds required to predict the impact of this variant on COL10A1 protein function. In summary, the available evidence is currently insufficient to determine the role of this variant in disease. Therefore, it has been classified as a Variant of Uncertain Significance.

NM_000493.4(COL10A1):c.608G>A (p.Gly203Asp)

Genes: COL10A1 (collagen type X alpha 1 chain; minus strand), NT5DC1 (5'-nucleotidase domain containing 1; plus strand). Cytogenetic location: 6q22.1.
Variant type: single nucleotide variant.
Coding change: c.608G>A on transcript NM_000493.4 (MANE Select); coding-DNA position 608, G replaced by A.
Protein change: p.Gly203Asp; replaces glycine 203 with aspartic acid.
Molecular consequence: missense variant. On other transcripts: intron variant (1).
Genome position (GRCh38, 1-based): chr6:116,121,508, C>T on the plus strand (G>A on the coding strand, the complement: COL10A1 is on the minus strand). VCF-style: chr6-116121508-C-T. GRCh37 (hg19) VCF-style: chr6-116442671-C-T.
Other names: c.608G>A, p.Gly203Asp (NM_001424106.1, NM_001424107.1); c.529+3563C>T (NM_152729.3); short protein forms G203D.
Identifiers: ClinVar variation 3634171 (VCV003634171.2).
Genomic context (GRCh38, chr6:116,121,508, plus strand): 5'-CCTCTTTTTCCCACTCCAGGAGGGCCAGATGGTCCTGTGGGACCCTGAGGGCCTGGAAGA[C>T]CCCTCTCACCTGGACGACCAGGAGCACCATATCCCATTTCCCCTTTCTGTCCATTCATAC-3'
Protein context (NP_000484.2, residues 193-213): YGAPGRPGER[Gly203Asp]LPGPQGPTGP